The following is an entry in ClinVar:

NM_001354604.2(MITF):c.830T>G (p.Ile277Ser)

Gene: MITF (melanocyte inducing transcription factor; plus strand). Cytogenetic location: 3p13.
Variant type: single nucleotide variant.
Coding change: c.830T>G on transcript NM_001354604.2 (MANE Select); coding-DNA position 830, T replaced by G.
Protein change: p.Ile277Ser; replaces isoleucine 277 with serine.
Molecular consequence: missense variant.
Genome position (GRCh38, 1-based): chr3:69,949,118, T>G. VCF-style: chr3-69949118-T-G. GRCh37 (hg19) VCF-style: chr3-69998269-T-G.
Other names: c.509T>G, p.Ile170Ser (NM_000248.4, NM_198158.3); c.674T>G, p.Ile225Ser (NM_001184967.2, NM_001354608.2); c.827T>G, p.Ile276Ser (NM_001354605.2, NM_001354606.2, NM_006722.3); c.779T>G, p.Ile260Ser (NM_001354607.2); c.830T>G, p.Ile277Ser (NM_198159.3); c.782T>G, p.Ile261Ser (NM_198177.3); c.341T>G, p.Ile114Ser (NM_198178.3); short protein forms I114S, I170S, I225S, I260S, I261S, I276S, I277S.
Identifiers: ClinVar variation 1311804 (VCV001311804.2), dbSNP rs2107511408, ClinGen allele CA353561373.

ClinVar aggregate classification (germline): Uncertain significance (1 of 4 stars; one submission).

Submission:

GeneDx
Classification: Uncertain significance. Last evaluated: 2019-12-27. Review status: criteria provided, single submitter. Criteria: GeneDx Variant Classification Process June 2021. Collection method: clinical testing. Allele origin: germline. Affected: yes.
Comment: Not observed in large population cohorts (Lek 2016); In silico analysis, which includes protein predictors and evolutionary conservation, supports a deleterious effect; Has not been previously published as pathogenic or benign to our knowledge